The following is an entry in ClinVar:

NM_000245.4(MET):c.1201-13T>C

Gene: MET (MET proto-oncogene, receptor tyrosine kinase; plus strand). Cytogenetic location: 7q31.2.
Variant type: single nucleotide variant.
Coding change: c.1201-13T>C on transcript NM_000245.4 (MANE Select); 13 bases into the intron before coding-DNA position 1201, T replaced by C.
Molecular consequence: intron variant.
Genome position (GRCh38, 1-based): chr7:116,731,655, T>C. VCF-style: chr7-116731655-T-C. GRCh37 (hg19) VCF-style: chr7-116371709-T-C.
Other names: c.1201-13T>C (NM_001127500.3, NM_001324401.3); c.-90-13T>C (NM_001324402.2).
Identifiers: ClinVar variation 3622775 (VCV003622775.3).
Genomic context (GRCh38, chr7:116,731,655, plus strand): 5'-CACACTGAAAGGTTTCTTACCAGCTTGTTCATGTCTGGATTCACATTAACTCTATGACCA[T>C]ATTTTATTCCAGACACTTCTGAGAAATTCATCAGGCTGTGAAGCGCGCCGTGATGAATAT-3'

ClinVar aggregate classification (germline): Likely benign. Review status: criteria provided, multiple submitters, no conflicts (2 of 4 stars). 2 submissions from 2 submitters: Likely benign (2). Last evaluated 2024-11-07.

Conditions:
Papillary renal cell carcinoma type 1 (RCCP1). Also called: Renal adenocarcinoma; Renal cell carcinoma 1; Renal cell carcinoma, somatic; RENAL CELL CARCINOMA, PAPILLARY, 1, SOMATIC. Identifiers: Orphanet 47044, MedGen C1336839, OMIM 605074, HP:0011797.
Renal cell carcinoma. Identifiers: Orphanet 217071, MedGen C0007134, MeSH D002292, MONDO:0005086, HP:0005584.

Submissions (2):

Myriad Genetics, Inc.
Classification: Likely benign for Papillary renal cell carcinoma type 1. Last evaluated: 2024-11-07. Review status: criteria provided, single submitter. Criteria: Myriad Autosomal Dominant, Autosomal Recessive and X-Linked Classification Criteria (2023). Collection method: clinical testing. Allele origin: unknown.
Comment: This variant is considered likely benign. This variant is intronic and is not expected to impact mRNA splicing.

Labcorp Genetics (formerly Invitae), Labcorp
Classification: Likely benign for Renal cell carcinoma. Last evaluated: 2024-02-06. Review status: criteria provided, single submitter. Criteria: Invitae Variant Classification Sherloc (09022015). Collection method: clinical testing. Allele origin: germline.